The following is an entry in ClinVar:

ClinVar aggregate classification (germline): Uncertain significance. Review status: criteria provided, multiple submitters, no conflicts (2 of 4 stars). 2 submissions from 2 submitters: Uncertain significance (2). Last evaluated 2024-12-15.

Conditions:
Primary ciliary dyskinesia. Also called: Ciliary dyskinesia. Identifiers: Orphanet 244, MedGen C0008780, MONDO:0016575, HP:0012265.
Orofaciodigital syndrome I (OFD1). Also called: OFDS I; Papillon-Leage and Psaume Syndrome; Oral-Facial-Digital Syndrome Type I. Identifiers: Orphanet 2750, MedGen C1510460, MONDO:0010702, OMIM 311200.
Joubert syndrome. Also called: JOUBERT-BOLTSHAUSER SYNDROME; Familial aplasia of the vermis. Identifiers: Orphanet 475, MedGen C5979921, MONDO:0018772.

Allele frequency attached by ClinVar (database versions not stated): gnomAD exomes 0.00003; ExAC 0.00012.
gnomAD v4.1: 29 of 1,202,057 alleles (0.0024%); highest among the groups gnomAD compares: South Asian, 0.046%; no homozygotes.

Submissions (2):

Labcorp Genetics (formerly Invitae), Labcorp
Classification: Uncertain significance for Orofaciodigital syndrome I; Joubert syndrome. Last evaluated: 2024-12-15. Review status: criteria provided, single submitter. Criteria: Invitae Variant Classification Sherloc (09022015). Collection method: clinical testing. Allele origin: germline.
Comment: This sequence change replaces lysine, which is basic and polar, with glutamic acid, which is acidic and polar, at codon 133 of the OFD1 protein (p.Lys133Glu). This variant is present in population databases (rs759975626, gnomAD 0.05%), and has an allele count higher than expected for a pathogenic variant. This variant has not been reported in the literature in individuals affected with OFD1-related conditions. ClinVar contains an entry for this variant (Variation ID: 1736675). Invitae Evidence Modeling of protein sequence and biophysical properties (such as structural, functional, and spatial information, amino acid conservation, physicochemical variation, residue mobility, and thermodynamic stability) indicates that this missense variant is not expected to disrupt OFD1 protein function with a negative predictive value of 80%. In summary, the available evidence is currently insufficient to determine the role of this variant in disease. Therefore, it has been classified as a Variant of Uncertain Significance.

Ambry Genetics
Classification: Uncertain significance for Primary ciliary dyskinesia. Last evaluated: 2017-09-18. Review status: criteria provided, single submitter. Criteria: Ambry Variant Classification Scheme 2023. Collection method: clinical testing. Allele origin: germline.
Comment: The p.K133E variant (also known as c.397A>G), located in coding exon 5 of the OFD1 gene, results from an A to G substitution at nucleotide position 397. The lysine at codon 133 is replaced by glutamic acid, an amino acid with similar properties. This amino acid position is not well conserved in available vertebrate species. In addition, the in silico prediction for this alteration is inconclusive. Since supporting evidence is limited at this time, the clinical significance of this alteration remains unclear.

NM_003611.3(OFD1):c.397A>G (p.Lys133Glu)

Gene: OFD1 (OFD1 centriole and centriolar satellite protein; plus strand). Cytogenetic location: Xp22.2.
Variant type: single nucleotide variant.
Coding change: c.397A>G on transcript NM_003611.3 (MANE Select); coding-DNA position 397, A replaced by G.
Protein change: p.Lys133Glu; replaces lysine 133 with glutamic acid.
Molecular consequence: missense variant. On other transcripts: 5 prime UTR variant (1).
Genome position (GRCh38, 1-based): chrX:13,739,017, A>G. VCF-style: chrX-13739017-A-G. GRCh37 (hg19) VCF-style: chrX-13757136-A-G.
Other names: c.397A>G, p.Lys133Glu (NM_001330209.2); c.-149A>G (NM_001330210.2); short protein forms K133E.
Identifiers: ClinVar variation 1736675 (VCV001736675.4), dbSNP rs759975626, ClinGen allele CA10351594.